The following is an entry in ClinVar:

ClinVar aggregate classification (germline): Uncertain significance (1 of 4 stars; one submission).

Submission:

Labcorp Genetics (formerly Invitae), Labcorp
Classification: Uncertain significance. Last evaluated: 2022-03-04. Review status: criteria provided, single submitter. Criteria: Invitae Variant Classification Sherloc (09022015). Collection method: clinical testing. Allele origin: germline.
Comment: In summary, the available evidence is currently insufficient to determine the role of this variant in disease. Therefore, it has been classified as a Variant of Uncertain Significance. Algorithms developed to predict the effect of missense changes on protein structure and function (SIFT, PolyPhen-2, Align-GVGD) all suggest that this variant is likely to be tolerated. This variant has not been reported in the literature in individuals affected with ARPC1B-related conditions. This variant is not present in population databases (gnomAD no frequency). This sequence change replaces serine, which is neutral and polar, with glycine, which is neutral and non-polar, at codon 64 of the ARPC1B protein (p.Ser64Gly).

NM_005720.4(ARPC1B):c.190A>G (p.Ser64Gly)

Gene: ARPC1B (actin related protein 2/3 complex subunit 1B; plus strand). Cytogenetic location: 7q22.1.
Variant type: single nucleotide variant.
Coding change: c.190A>G on transcript NM_005720.4 (MANE Select); coding-DNA position 190, A replaced by G.
Protein change: p.Ser64Gly; replaces serine 64 with glycine.
Molecular consequence: missense variant.
Genome position (GRCh38, 1-based): chr7:99,388,059, A>G. VCF-style: chr7-99388059-A-G. GRCh37 (hg19) VCF-style: chr7-98985682-A-G.
Other names: short protein forms S64G.
Identifiers: ClinVar variation 2106856 (VCV002106856.4), dbSNP rs2484634442, ClinGen allele CA368316631.